The following is an entry in ClinVar:

ClinVar aggregate classification (germline): Conflicting classifications of pathogenicity. Review status: criteria provided, conflicting classifications (1 of 4 stars). 2 submissions from 2 submitters: Uncertain significance (1); Likely benign (1). Last evaluated 2025-07-28.

Allele frequency attached by ClinVar (database versions not stated): ExAC 0.00007; gnomAD 0.00008 and 0.00009; TOPMed 0.00011; gnomAD exomes 0.00005 and 0.00006.
gnomAD v4.1: 89 of 1,614,096 alleles (0.0055%); highest among the groups gnomAD compares: Admixed American, 0.018%; no homozygotes.

Submissions (2):

Labcorp Genetics (formerly Invitae), Labcorp
Classification: Uncertain significance. Last evaluated: 2025-07-28. Review status: criteria provided, single submitter. Criteria: Invitae Variant Classification Sherloc (09022015). Collection method: clinical testing. Allele origin: germline.
Comment: This sequence change replaces arginine, which is basic and polar, with cysteine, which is neutral and slightly polar, at codon 217 of the TEAD1 protein (p.Arg217Cys). This variant is present in population databases (rs763864290, gnomAD 0.02%). This variant has not been reported in the literature in individuals affected with TEAD1-related conditions. ClinVar contains an entry for this variant (Variation ID: 943444). Invitae Evidence Modeling of protein sequence and biophysical properties (such as structural, functional, and spatial information, amino acid conservation, physicochemical variation, residue mobility, and thermodynamic stability) indicates that this missense variant is not expected to disrupt TEAD1 protein function with a negative predictive value of 80%. In summary, the available evidence is currently insufficient to determine the role of this variant in disease. Therefore, it has been classified as a Variant of Uncertain Significance.

Blueprint Genetics
Classification: Likely benign. Last evaluated: 2023-10-18. Review status: criteria provided, single submitter. Criteria: ACMG Guidelines, 2015. Collection method: clinical testing. Allele origin: germline.

NM_021961.6(TEAD1):c.649C>T (p.Arg217Cys)

Gene: TEAD1 (TEA domain transcription factor 1; plus strand). Cytogenetic location: 11p15.3.
Variant type: single nucleotide variant.
Coding change: c.649C>T on transcript NM_021961.6 (MANE Select); coding-DNA position 649, C replaced by T.
Protein change: p.Arg217Cys; replaces arginine 217 with cysteine.
Molecular consequence: missense variant.
Genome position (GRCh38, 1-based): chr11:12,883,075, C>T. VCF-style: chr11-12883075-C-T. GRCh37 (hg19) VCF-style: chr11-12904622-C-T.
Other names: short protein forms R217C.
Identifiers: ClinVar variation 943444 (VCV000943444.8), dbSNP rs763864290, ClinGen allele CA5891698.